The following is an entry in ClinVar:

NM_021095.4(SLC5A6):c.1841T>C (p.Met614Thr)

Gene: SLC5A6 (solute carrier family 5 member 6; minus strand). Cytogenetic location: 2p23.3.
Variant type: single nucleotide variant.
Coding change: c.1841T>C on transcript NM_021095.4 (MANE Select); coding-DNA position 1841, T replaced by C.
Protein change: p.Met614Thr; replaces methionine 614 with threonine.
Molecular consequence: missense variant. On other transcripts: non-coding transcript variant (1).
Genome position (GRCh38, 1-based): chr2:27,200,503, A>G on the plus strand (T>C on the coding strand, the complement: SLC5A6 is on the minus strand). VCF-style: chr2-27200503-A-G. GRCh37 (hg19) VCF-style: chr2-27423371-A-G.
Other names: c.1841T>C (NM_021095.2); short protein forms M614T.
Identifiers: ClinVar variation 3770489 (VCV003770489.14).
Genomic context (GRCh38, chr2:27,200,503, plus strand): 5'-GAGGTCTCCTGGAGGATGCAGGTGGAGCTGCTCCCCTGATAGGCTGTGCCATCCAGGGCC[A>G]TGGCCTCCTTGTCTCTGCTGTCCCCCAGCACACCATTCCTCGGCTTCTCAGGAAACAGGC-3'
Protein context (NP_066918.2, residues 604-624): VLGDSRDKEA[Met614Thr]ALDGTAYQGS

ClinVar aggregate classification (germline): Likely benign. Review status: criteria provided, multiple submitters, no conflicts (2 of 4 stars). 2 submissions from 2 submitters: Likely benign (2). Last evaluated 2026-07-01.

Conditions:
SLC5A6-related disorder.

gnomAD v4.1: 1,650 of 1,614,044 alleles (0.1%); highest among the groups gnomAD compares: Non-Finnish European, 0.12%; 4 homozygotes.

Submissions (2):

CeGaT Center for Human Genetics Tuebingen
Classification: Likely benign. Last evaluated: 2026-07-01. Review status: criteria provided, single submitter. Criteria: CeGaT Center For Human Genetics Tuebingen Variant Classification Criteria Version 2. Collection method: clinical testing. Allele origin: germline. Affected: yes. Observed: 5 variant alleles.
Comment: SLC5A6: BP4

PreventionGenetics, part of Exact Sciences
Classification: Likely benign for SLC5A6-related condition. Last evaluated: 2025-06-18. Review status: criteria provided, single submitter. Criteria: ACMG Guidelines, 2015. Collection method: clinical testing. Allele origin: germline.
Comment: This variant is classified as likely benign based on ACMG/AMP sequence variant interpretation guidelines (Richards et al. 2015 PMID: 25741868, with internal and published modifications).